The following is an entry in ClinVar:

ClinVar aggregate classification (germline): Conflicting classifications of pathogenicity. Review status: criteria provided, conflicting classifications (1 of 4 stars). 4 submissions from 4 submitters: Uncertain significance (2); Likely benign (1). 1 of the submissions does not count toward it. Last evaluated 2023-09-26.

Conditions:
Multiple congenital anomalies-hypotonia-seizures syndrome 3 (MCAHS3). Also called: GLYCOSYLPHOSPHATIDYLINOSITOL BIOSYNTHESIS DEFECT 7. Identifiers: Orphanet 369837, MedGen C3809356, MONDO:0014165, OMIM 615398.
Paroxysmal nocturnal hemoglobinuria 2 (PNH2). Identifiers: Orphanet 447, MedGen C3809369, MONDO:0014166, OMIM 615399.

Allele frequency attached by ClinVar (database versions not stated): TOPMed 0.00008; ExAC 0.00016; gnomAD exomes 0.00005 and 0.00024; gnomAD 0.00013 and 0.00009; 1000 Genomes Project 0.00120; 1000 Genomes Project 30x 0.00094.
gnomAD v4.1: 91 of 1,614,180 alleles (0.0056%); highest among the groups gnomAD compares: East Asian, 0.19%; 1 homozygote.

Submissions (4):

Labcorp Genetics (formerly Invitae), Labcorp
Classification: Likely benign for Multiple congenital anomalies-hypotonia-seizures syndrome 3. Last evaluated: 2023-09-26. Review status: criteria provided, single submitter. Criteria: Invitae Variant Classification Sherloc (09022015). Collection method: clinical testing. Allele origin: germline.

GeneDx
Classification: Uncertain significance. Last evaluated: 2023-03-03. Review status: criteria provided, single submitter. Criteria: GeneDx Variant Classification Process June 2021. Collection method: clinical testing. Allele origin: germline. Affected: yes.
Comment: In silico analysis supports that this missense variant has a deleterious effect on protein structure/function; Has not been previously published as pathogenic or benign to our knowledge

Revvity Omics, Revvity
Classification: Uncertain significance. Last evaluated: 2022-05-03. Review status: criteria provided, single submitter. Criteria: ACMG Guidelines, 2015. Collection method: clinical testing. Allele origin: germline.

Division of Human Genetics, Children's Hospital of Philadelphia
Classification: Uncertain significance for Multiple congenital anomalies-hypotonia-seizures syndrome 3; Paroxysmal nocturnal hemoglobinuria 2. Last evaluated: 2016-06-27. Review status: no assertion criteria provided. Collection method: research. Allele origin: paternal. Affected: yes. Study: CSER-PediSeq. Not counted in ClinVar's aggregate classification.

NM_015937.6(PIGT):c.634C>T (p.His212Tyr)

Gene: PIGT (phosphatidylinositol glycan anchor biosynthesis class T; plus strand). Cytogenetic location: 20q13.12.
Variant type: single nucleotide variant.
Coding change: c.634C>T on transcript NM_015937.6 (MANE Select); coding-DNA position 634, C replaced by T.
Protein change: p.His212Tyr; replaces histidine 212 with tyrosine.
Molecular consequence: missense variant. On other transcripts: non-coding transcript variant (5).
Genome position (GRCh38, 1-based): chr20:45,419,543, C>T. VCF-style: chr20-45419543-C-T. GRCh37 (hg19) VCF-style: chr20-44048183-C-T.
Other names: c.466C>T, p.His156Tyr (NM_001184728.3); c.634C>T, p.His212Tyr (NM_001184729.3); c.328C>T, p.His110Tyr (NM_001184730.3); short protein forms H212Y, H156Y, H110Y.
Identifiers: ClinVar variation 417893 (VCV000417893.15), dbSNP rs574183358, ClinGen allele CA9877986.
Genomic context (GRCh38, chr20:45,419,543, plus strand): 5'-ATCTCTTTCCATCTCCTCCAGGCAGGCCTCTCTGTGCTGCTGAAGGCAGATCGCTTGTTC[C>T]ACACCAGCTACCACTCCCAGGCAGTGCATATCCGCCCTGTTTGCAGAGTAAGTCATGGGG-3'
Protein context (NP_057021.2, residues 202-222): SVLLKADRLF[His212Tyr]TSYHSQAVHI